The following is an entry in ClinVar:

NM_000465.4(BARD1):c.2114G>A (p.Arg705Lys)

Gene: BARD1 (BRCA1 associated RING domain 1; minus strand). Cytogenetic location: 2q35.
Variant type: single nucleotide variant.
Coding change: c.2114G>A on transcript NM_000465.4 (MANE Select); coding-DNA position 2114, G replaced by A.
Protein change: p.Arg705Lys; replaces arginine 705 with lysine.
Molecular consequence: missense variant. On other transcripts: non-coding transcript variant (3).
Genome position (GRCh38, 1-based): chr2:214,728,896, C>T on the plus strand (G>A on the coding strand, the complement: BARD1 is on the minus strand). VCF-style: chr2-214728896-C-T. GRCh37 (hg19) VCF-style: chr2-215593620-C-T.
Other names: c.2057G>A, p.Arg686Lys (NM_001282543.2); c.761G>A, p.Arg254Lys (NM_001282545.2); c.704G>A, p.Arg235Lys (NM_001282548.2); c.575G>A, p.Arg192Lys (NM_001282549.2); c.2114G>A (NM_000465.2); short protein forms R235K, R192K, R686K, R705K, R254K.
Identifiers: ClinVar variation 2111450 (VCV002111450.5), dbSNP rs2105987389, ClinGen allele CA350450594.

ClinVar aggregate classification (germline): Uncertain significance. Review status: criteria provided, multiple submitters, no conflicts (2 of 4 stars). 2 submissions from 2 submitters: Uncertain significance (2). Last evaluated 2025-07-28.

Conditions:
Hereditary cancer-predisposing syndrome. Also called: Neoplastic Syndromes, Hereditary; Hereditary Cancer Syndrome; Hereditary neoplastic syndrome; Tumor predisposition. Identifiers: Orphanet 140162, MedGen C0027672, MeSH D009386, MONDO:0015356.
Familial cancer of breast. Also called: hereditary breast carcinoma; BREAST CANCER, FAMILIAL; Hereditary breast cancer. Identifiers: Orphanet 227535, MedGen C0346153, MONDO:0016419, OMIM 114480. Disease mechanism: loss of function.

Submissions (2):

Labcorp Genetics (formerly Invitae), Labcorp
Classification: Uncertain significance for Familial cancer of breast. Last evaluated: 2025-07-28. Review status: criteria provided, single submitter. Criteria: Invitae Variant Classification Sherloc (09022015). Collection method: clinical testing. Allele origin: germline.
Comment: This sequence change replaces arginine, which is basic and polar, with lysine, which is basic and polar, at codon 705 of the BARD1 protein (p.Arg705Lys). This variant is not present in population databases (gnomAD no frequency). This variant has not been reported in the literature in individuals affected with BARD1-related conditions. ClinVar contains an entry for this variant (Variation ID: 2111450). An algorithm developed to predict the effect of missense changes on protein structure and function (PolyPhen-2) suggests that this variant is likely to be disruptive. In summary, the available evidence is currently insufficient to determine the role of this variant in disease. Therefore, it has been classified as a Variant of Uncertain Significance.

Ambry Genetics
Classification: Uncertain significance for Hereditary cancer-predisposing syndrome. Last evaluated: 2023-12-14. Review status: criteria provided, single submitter. Criteria: Ambry Variant Classification Scheme 2023. Collection method: clinical testing. Allele origin: germline.
Comment: The p.R705K variant (also known as c.2114G>A), located in coding exon 11 of the BARD1 gene, results from a G to A substitution at nucleotide position 2114. The arginine at codon 705 is replaced by lysine, an amino acid with highly similar properties. This amino acid position is conserved. In addition, the in silico prediction for this alteration is inconclusive. Since supporting evidence is limited at this time, the clinical significance of this alteration remains unclear.